The following is an entry in ClinVar:

NM_001253697.2(ERBIN):c.1045G>A (p.Val349Met)

Gene: ERBIN (erbb2 interacting protein; plus strand). Cytogenetic location: 5q12.3.
Variant type: single nucleotide variant.
Coding change: c.1045G>A on transcript NM_001253697.2 (MANE Select); coding-DNA position 1045, G replaced by A.
Protein change: p.Val349Met; replaces valine 349 with methionine.
Molecular consequence: missense variant.
Genome position (GRCh38, 1-based): chr5:66,026,326, G>A. VCF-style: chr5-66026326-G-A. GRCh37 (hg19) VCF-style: chr5-65322154-G-A.
Other names: c.1045G>A, p.Val349Met (NM_001006600.3, NM_001253698.2, NM_001253699.2 and 2 more transcripts); short protein forms V349M.
Identifiers: ClinVar variation 3614331 (VCV003614331.2).

ClinVar aggregate classification (germline): Uncertain significance (1 of 4 stars; one submission).

gnomAD v4.1: 9 of 1,591,754 alleles (0.00057%); highest among the groups gnomAD compares: South Asian, 0.0057%; 1 homozygote.

Submission:

Labcorp Genetics (formerly Invitae), Labcorp
Classification: Uncertain significance. Last evaluated: 2026-01-26. Review status: criteria provided, single submitter. Criteria: Invitae Variant Classification Sherloc (09022015). Collection method: clinical testing. Allele origin: germline.
Comment: This sequence change replaces valine, which is neutral and non-polar, with methionine, which is neutral and non-polar, at codon 349 of the ERBIN protein (p.Val349Met). The frequency data for this variant in the population databases is considered unreliable, as metrics indicate poor data quality at this position in the gnomAD database. This variant has not been reported in the literature in individuals affected with ERBIN-related conditions. ClinVar contains an entry for this variant (Variation ID: 3614331). An algorithm developed to predict the effect of missense changes on protein structure and function (PolyPhen-2) suggests that this variant is likely to be disruptive. In summary, the available evidence is currently insufficient to determine the role of this variant in disease. Therefore, it has been classified as a Variant of Uncertain Significance.